The following is an entry in ClinVar:

ClinVar aggregate classification (germline): Uncertain significance (1 of 4 stars; one submission).

Conditions:
Hypertrophic cardiomyopathy. Also called: HYPERTROPHIC MYOCARDIOPATHY. Identifiers: Orphanet 217569, MedGen C0007194, MeSH D002312, MONDO:0005045, HP:0001639.

Submission:

Labcorp Genetics (formerly Invitae), Labcorp
Classification: Uncertain significance for Hypertrophic cardiomyopathy. Last evaluated: 2025-05-19. Review status: criteria provided, single submitter. Criteria: Invitae Variant Classification Sherloc (09022015). Collection method: clinical testing. Allele origin: germline.
Comment: This sequence change replaces asparagine, which is neutral and polar, with threonine, which is neutral and polar, at codon 763 of the MYBPC3 protein (p.Asn763Thr). This variant is not present in population databases (gnomAD no frequency). This missense change has been observed in individual(s) with hypertrophic cardiomyopathy (internal data). An algorithm developed to predict the effect of missense changes on protein structure and function (PolyPhen-2) suggests that this variant is likely to be tolerated. This variant disrupts the p.Asn763 amino acid residue in MYBPC3. Other variant(s) that disrupt this residue have been observed in individuals with MYBPC3-related conditions (internal data), which suggests that this may be a clinically significant amino acid residue. In summary, the available evidence is currently insufficient to determine the role of this variant in disease. Therefore, it has been classified as a Variant of Uncertain Significance.

NM_000256.3(MYBPC3):c.2288A>C (p.Asn763Thr)

Gene: MYBPC3 (myosin binding protein C3; minus strand). Cytogenetic location: 11p11.2.
Variant type: single nucleotide variant.
Coding change: c.2288A>C on transcript NM_000256.3 (MANE Select); coding-DNA position 2288, A replaced by C.
Protein change: p.Asn763Thr; replaces asparagine 763 with threonine.
Molecular consequence: missense variant.
Genome position (GRCh38, 1-based): chr11:47,338,540, T>G on the plus strand (A>C on the coding strand, the complement: MYBPC3 is on the minus strand). VCF-style: chr11-47338540-T-G. GRCh37 (hg19) VCF-style: chr11-47360091-T-G.
Other names: short protein forms N763T.
Identifiers: ClinVar variation 4779515 (VCV004779515.1).
Genomic context (GRCh38, chr11:47,338,540, plus strand): 5'-CCCCTCTGTGTTCTCCAGCTTGGACCCCGGCCGGCCTCACCGATGACCTTGACTGTGAGG[T>G]TGACCTGGTCCTCGCCCACAGGGTTCTTCACTGTGACCGTGTAGACGCCCTCATCTTCCT-3'
Protein context (NP_000247.2, residues 753-773): VKNPVGEDQV[Asn763Thr]LTVKVIDVPD